The following is an entry in ClinVar:

NM_000059.4(BRCA2):c.5998T>G (p.Phe2000Val)

Gene: BRCA2 (BRCA2 DNA repair associated; plus strand). Cytogenetic location: 13q13.1.
Variant type: single nucleotide variant.
Coding change: c.5998T>G on transcript NM_000059.4 (MANE Select); coding-DNA position 5998, T replaced by G.
Protein change: p.Phe2000Val; replaces phenylalanine 2000 with valine.
Molecular consequence: missense variant.
Genome position (GRCh38, 1-based): chr13:32,340,353, T>G. VCF-style: chr13-32340353-T-G. GRCh37 (hg19) VCF-style: chr13-32914490-T-G.
Other names: short protein forms F2000V.
Identifiers: ClinVar variation 182223 (VCV000182223.4), dbSNP rs730881541, ClinGen allele CA023484.

ClinVar aggregate classification (germline): Conflicting classifications of pathogenicity. Review status: criteria provided, conflicting classifications (1 of 4 stars). 3 submissions from 3 submitters: Uncertain significance (2); Likely benign (1). Last evaluated 2026-02-23.

Conditions:
Hereditary cancer-predisposing syndrome. Also called: Tumor predisposition; Hereditary neoplastic syndrome; Neoplastic Syndromes, Hereditary; Hereditary Cancer Syndrome. Identifiers: Orphanet 140162, MedGen C0027672, MeSH D009386, MONDO:0015356.

Allele frequency attached by ClinVar (database versions not stated): TOPMed below 0.00001.

Submissions (3):

Ambry Genetics
Classification: Uncertain significance for Hereditary cancer-predisposing syndrome. Last evaluated: 2026-02-23. Review status: criteria provided, single submitter. Criteria: Ambry Variant Classification Scheme 2023. Collection method: clinical testing. Allele origin: germline.
Comment: The p.F2000V variant (also known as c.5998T>G), located in coding exon 10 of the BRCA2 gene, results from a T to G substitution at nucleotide position 5998. The phenylalanine at codon 2000 is replaced by valine, an amino acid with highly similar properties. This amino acid position is highly conserved in available vertebrate species. In addition, the in silico prediction for this alteration is inconclusive. Based on the available evidence, the clinical significance of this variant remains unclear.

University of Washington Department of Laboratory Medicine, University of Washington
Classification: Likely benign for Hereditary cancer-predisposing syndrome. Last evaluated: 2023-03-23. Review status: criteria provided, single submitter. Criteria: Dines et al. (Genet Med. 2020). Collection method: curation. Allele origin: germline.
Comment: Missense variant in a coldspot region where missense variants are very unlikely to be pathogenic (PMID:31911673).

BRCA2 exon 11 coldspot. Reclassification based on statistical prior probability.

GeneDx
Classification: Uncertain significance. Last evaluated: 2014-08-06. Review status: criteria provided, single submitter. Criteria: GeneDx Variant Classification (06012015). Collection method: clinical testing. Allele origin: germline. Affected: yes.
Comment: This variant is denoted BRCA2 c.5998T>G at the cDNA level, p.Phe2000Val (F2000V) at the protein level, and results in the change of a Phenylalanine to a Valine (TTT>GTT). This variant, also known as BRCA2 c.6226T>G using alternate nomenclature, has not, to our knowledge, been published in the literature as pathogenic or benign. BRCA2 Phe2000Val was not observed in approximately 6,500 individuals of European and African American ancestry in the NHLBI Exome Sequencing Project, indicating it is not a common benign variant in these populations. Since Phenylalanine and Valine differ in some properties, this is considered a semi-conservative amino acid substitution. BRCA2 Phe2000Val occurs at a position that is highly conserved across species and is located within the BRC repeat 7. In silico analyses predict that this variant is probably damaging to protein structure and function. Based on currently available information, it is unclear whether BRCA2 Phe2000Val is pathogenic or benign. We consider it to be a variant of uncertain significance.